The following is an entry in ClinVar:

NM_000393.5(COL5A2):c.3466C>G (p.Pro1156Ala)

Gene: COL5A2 (collagen type V alpha 2 chain; minus strand). Cytogenetic location: 2q32.2.
Variant type: single nucleotide variant.
Coding change: c.3466C>G on transcript NM_000393.5 (MANE Select); coding-DNA position 3466, C replaced by G.
Protein change: p.Pro1156Ala; replaces proline 1156 with alanine.
Molecular consequence: missense variant.
Genome position (GRCh38, 1-based): chr2:189,043,156, G>C on the plus strand (C>G on the coding strand, the complement: COL5A2 is on the minus strand). VCF-style: chr2-189043156-G-C. GRCh37 (hg19) VCF-style: chr2-189907882-G-C.
Other names: short protein forms P1156A.
Identifiers: ClinVar variation 2910153 (VCV002910153.3), dbSNP rs191227240, ClinGen allele CA349860677.
Genomic context (GRCh38, chr2:189,043,156, plus strand): 5'-GATACCCGTGTATTTTCAACTACAGGGCAGAATAATACTTAAAGGAATAACTTACAGGAG[G>C]GCCAGGAAGACCCTGAAGACCAGTAAAGCCTCTGTGGCCCTTCTGACCTCTGTCACCTCG-3'
Protein context (NP_000384.2, residues 1146-1166): GFTGLQGLPG[Pro1156Ala]PGPNGEQGSA

ClinVar aggregate classification (germline): Uncertain significance (1 of 4 stars; one submission).

Conditions:
Ehlers-Danlos syndrome, classic type, 1 (EDSCL1). Also called: EDS I; EHLERS-DANLOS SYNDROME, GRAVIS TYPE; EHLERS-DANLOS SYNDROME, SEVERE CLASSIC TYPE; Ehlers-Danlos syndrome, type 1; Ehlers-Danlos Syndrome, Classic Type, COL5A1-Related. Identifiers: MedGen C0268335, MONDO:0019567, OMIM 130000.

Submission:

Labcorp Genetics (formerly Invitae), Labcorp
Classification: Uncertain significance for Ehlers-Danlos syndrome, classic type, 1. Last evaluated: 2023-06-02. Review status: criteria provided, single submitter. Criteria: Invitae Variant Classification Sherloc (09022015). Collection method: clinical testing. Allele origin: germline.
Comment: This sequence change replaces proline, which is neutral and non-polar, with alanine, which is neutral and non-polar, at codon 1156 of the COL5A2 protein (p.Pro1156Ala). In summary, the available evidence is currently insufficient to determine the role of this variant in disease. Therefore, it has been classified as a Variant of Uncertain Significance. Advanced modeling of protein sequence and biophysical properties (such as structural, functional, and spatial information, amino acid conservation, physicochemical variation, residue mobility, and thermodynamic stability) performed at Invitae indicates that this missense variant is not expected to disrupt COL5A2 protein function. This variant has not been reported in the literature in individuals affected with COL5A2-related conditions. This variant is not present in population databases (gnomAD no frequency).